The following is an entry in ClinVar:

ClinVar aggregate classification (germline): Benign. Review status: criteria provided, multiple submitters, no conflicts (2 of 4 stars). 20 submissions from 20 submitters: Benign (14). 6 of the submissions do not count toward it. Last evaluated 2026-02-04.

Conditions:
Cardiovascular phenotype. Identifiers: MedGen CN230736.
Arrhythmogenic right ventricular cardiomyopathy (ARVD). Also called: Arrhythmogenic cardiomyopathy; Arrhythmogenic Right Ventricular Cardiomyopathy (ARVC); Cardiomyopathy, ARVC; Arrhythmogenic right ventricular dysplasia. Identifiers: Orphanet 247, MedGen C0349788, MeSH D019571, MONDO:0016587. Disease mechanism: loss of function. Inheritance: Various modes of inheritance.
Cardiomyopathy (CMYO). Also called: Cardiomyopathies. Identifiers: Orphanet 167848, MedGen C0878544, MONDO:0004994, HP:0001638. Inheritance: Various modes of inheritance.
Arrhythmogenic right ventricular dysplasia 10. Also called: Arrhythmogenic right ventricular dysplasia/cardiomyopathy, type 10; ARRHYTHMOGENIC RIGHT VENTRICULAR DYSPLASIA, FAMILIAL, 10; Arrhythmogenic Right Ventricular Dysplasia/Cardiomyopathy10. Identifiers: MedGen C1857777, MONDO:0012434, OMIM 610193.

Allele frequency attached by ClinVar (database versions not stated): ESP Exome Variant Server 0.19729; TOPMed 0.20912; gnomAD 0.22185 and 0.23032; 1000 Genomes Project 30x 0.23204; 1000 Genomes Project 0.24002; gnomAD exomes 0.26515 and 0.29870; ExAC 0.26757.
gnomAD v4.1: 402,056 of 1,376,676 alleles (29%); highest among the groups gnomAD compares: East Asian, 55%; 55,785 homozygotes.

Submissions (20):

Labcorp Genetics (formerly Invitae), Labcorp
Classification: Benign for Arrhythmogenic right ventricular dysplasia 10. Last evaluated: 2026-02-04. Review status: criteria provided, single submitter. Criteria: Invitae Variant Classification Sherloc (09022015). Collection method: clinical testing. Allele origin: germline.

ARUP Laboratories, Molecular Genetics and Genomics, ARUP Laboratories
Classification: Benign. Last evaluated: 2025-07-28. Review status: criteria provided, single submitter. Criteria: ARUP Molecular Germline Variant Investigation Process 2024. Collection method: clinical testing. Allele origin: germline.

Molecular Diagnostic Laboratory for Inherited Cardiovascular Disease, Montreal Heart Institute
Classification: Benign. Last evaluated: 2025-04-08. Review status: criteria provided, single submitter. Criteria: ACMG Guidelines, 2015. Collection method: clinical testing. Allele origin: germline. Affected: no.

Blueprint Genetics
Classification: Benign. Last evaluated: 2024-11-28. Review status: criteria provided, single submitter. Criteria: ACMG Guidelines, 2015. Collection method: clinical testing. Allele origin: germline.

All of Us Research Program, National Institutes of Health
Classification: Benign for Arrhythmogenic right ventricular cardiomyopathy. Last evaluated: 2024-10-02. Review status: criteria provided, single submitter. Criteria: ACMG Guidelines, 2015. Collection method: clinical testing. Allele origin: germline. Inheritance: Autosomal dominant inheritance. Observed: 61,751 variant alleles, 52,106 heterozygotes, 9,632 homozygotes, 13 hemizygotes.
Comment: This study involves interpretation of variants in research participants for the purpose of population health screening. Participant phenotype was not available at the time of variant classification. Additional details can be found in publication PMID: 35346344, PMCID: PMC8962531

Color Diagnostics, LLC DBA Color Health
Classification: Benign for Cardiomyopathy. Last evaluated: 2018-04-08. Review status: criteria provided, single submitter. Criteria: ACMG Guidelines, 2015. Collection method: clinical testing. Allele origin: germline.

Illumina Laboratory Services, Illumina
Classification: Benign for Arrhythmogenic right ventricular dysplasia 10. Last evaluated: 2018-01-13. Review status: criteria provided, single submitter. Criteria: ICSL Variant Classification Criteria 13 December 2019. Collection method: clinical testing. Allele origin: germline.
Comment: This variant was observed in the ICSL laboratory as part of a predisposition screen in an ostensibly healthy population. It had not been previously curated by ICSL or reported in the Human Gene Mutation Database (HGMD: prior to June 1st, 2018), and was therefore a candidate for classification through an automated scoring system. Utilizing variant allele frequency, disease prevalence and penetrance estimates, and inheritance mode, an automated score was calculated to assess if this variant is too frequent to cause the disease. Based on the score and internal cut-off values, a variant classified as benign is not then subjected to further curation. The score for this variant resulted in a classification of benign for this disease.

Ambry Genetics
Classification: Benign for Cardiovascular phenotype. Last evaluated: 2015-03-11. Review status: criteria provided, single submitter. Criteria: Ambry Variant Classification Scheme 2023. Collection method: clinical testing. Allele origin: germline.

GeneDx
Classification: Benign. Last evaluated: 2015-03-03. Review status: criteria provided, single submitter. Criteria: GeneDx Variant Classification Process June 2021. Collection method: clinical testing. Allele origin: germline. Affected: yes.
Comment: This variant is associated with the following publications: (PMID: 33047533)

Mayo Clinic Laboratories, Mayo Clinic
Classification: Benign. Last evaluated: 2014-08-06. Review status: criteria provided, single submitter. Criteria: ACMG Guidelines, 2015. Collection method: clinical testing. Allele origin: germline. Observed: 528 variant alleles.

Biesecker Lab/Clinical Genomics Section, National Institutes of Health
Classification: Benign. Last evaluated: 2013-06-24. Review status: criteria provided, single submitter. Criteria: Ng et al. (Circ Cardiovasc Genet. 2013). Collection method: research. Allele origin: unknown. Observed: 352 variant alleles. Study: ClinSeq.
Comment: The study set was not selected for affection status in relation to any cancer. Pathogenicity categories were based on literature curation. See Pubmed ID:23861362 for details.

Medical sequencing

Laboratory for Molecular Medicine, Mass General Brigham Personalized Medicine
Classification: Benign. Last evaluated: 2007-11-07. Review status: criteria provided, single submitter. Criteria: LMM Criteria. Collection method: clinical testing. Allele origin: germline. Observed: 842 variant alleles.

Breakthrough Genomics
Classification: Benign. Review status: criteria provided, single submitter. Criteria: ACMG Guidelines, 2015. Collection method: not provided. Allele origin: germline. Inheritance: Autosomal recessive inheritance. Affected: yes.

PreventionGenetics, part of Exact Sciences
Classification: Benign. Review status: criteria provided, single submitter. Criteria: ACMG Guidelines, 2015. Collection method: clinical testing. Allele origin: germline.

Cohesion Phenomics
Classification: Benign for Cardiomyopathy. Last evaluated: 2022-09-23. Review status: no assertion criteria provided. Criteria: ACMG Guidelines, 2015. Collection method: clinical testing. Allele origin: germline. Affected: yes. Not counted in ClinVar's aggregate classification.

Clinical Genetics DNA and cytogenetics Diagnostics Lab, Erasmus MC, Erasmus Medical Center
Classification: Benign. Review status: no assertion criteria provided. Collection method: clinical testing. Allele origin: germline. Affected: yes. Study: VKGL Data-share Consensus. Not counted in ClinVar's aggregate classification.

Clinical Genetics, Academic Medical Center
Classification: Benign. Review status: no assertion criteria provided. Collection method: clinical testing. Allele origin: germline. Affected: yes. Study: VKGL Data-share Consensus. Not counted in ClinVar's aggregate classification.

Diagnostic Laboratory, Department of Genetics, University Medical Center Groningen
Classification: Benign. Review status: no assertion criteria provided. Collection method: clinical testing. Allele origin: germline. Affected: yes. Study: VKGL Data-share Consensus. Not counted in ClinVar's aggregate classification.

Genome Diagnostics Laboratory, University Medical Center Utrecht
Classification: Benign. Review status: no assertion criteria provided. Collection method: clinical testing. Allele origin: germline. Affected: yes. Study: VKGL Data-share Consensus. Not counted in ClinVar's aggregate classification.

Joint Genome Diagnostic Labs from Nijmegen and Maastricht, Radboudumc and MUMC+
Classification: Benign. Review status: no assertion criteria provided. Collection method: clinical testing. Allele origin: germline. Affected: yes. Study: VKGL Data-share Consensus. Not counted in ClinVar's aggregate classification.

NM_001943.5(DSG2):c.2318G>A (p.Arg773Lys)

Genes: DSG2 (desmoglein 2; plus strand), DSG2-AS1 (DSG2 antisense RNA 1; minus strand). Cytogenetic location: 18q12.1.
Variant type: single nucleotide variant.
Coding change: c.2318G>A on transcript NM_001943.5 (MANE Select); coding-DNA position 2318, G replaced by A.
Protein change: p.Arg773Lys; replaces arginine 773 with lysine.
Molecular consequence: missense variant.
Genome position (GRCh38, 1-based): chr18:31,542,836, G>A. VCF-style: chr18-31542836-G-A. GRCh37 (hg19) VCF-style: chr18-29122799-G-A.
Other names: short protein forms R773K.
Identifiers: ClinVar variation 44300 (VCV000044300.51), dbSNP rs2278792, ClinGen allele CA021756.